The following is an entry in ClinVar:

NM_025114.4(CEP290):c.1825-715T>C

Gene: CEP290 (centrosomal protein 290; minus strand). Cytogenetic location: 12q21.32.
Variant type: single nucleotide variant.
Coding change: c.1825-715T>C on transcript NM_025114.4 (MANE Select); 715 bases into the intron before coding-DNA position 1825, T replaced by C.
Molecular consequence: intron variant.
Genome position (GRCh38, 1-based): chr12:88,115,897, A>G on the plus strand (T>C on the coding strand, the complement: CEP290 is on the minus strand). VCF-style: chr12-88115897-A-G. GRCh37 (hg19) VCF-style: chr12-88509674-A-G.
Identifiers: ClinVar variation 2643205 (VCV002643205.24), dbSNP rs756773557, ClinGen allele CA241150061.

ClinVar aggregate classification (germline): Likely benign (1 of 4 stars; one submission).

Allele frequency attached by ClinVar (database versions not stated): gnomAD 0.00007; gnomAD exomes 0.00008; TOPMed 0.00008.
gnomAD v4.1: 75 of 983,884 alleles (0.0076%); highest among the groups gnomAD compares: Non-Finnish European, 0.0086%; no homozygotes.

Submission:

CeGaT Center for Human Genetics Tuebingen
Classification: Likely benign. Last evaluated: 2026-05-01. Review status: criteria provided, single submitter. Criteria: CeGaT Center For Human Genetics Tuebingen Variant Classification Criteria Version 2. Collection method: clinical testing. Allele origin: germline. Affected: yes. Observed: 2 variant alleles.
Comment: CEP290: BP4, BP7